The following is an entry in ClinVar:

ClinVar aggregate classification (germline): Benign/Likely benign. Review status: criteria provided, multiple submitters, no conflicts (2 of 4 stars). 14 submissions from 14 submitters: Benign (9); Likely benign (2). 3 of the submissions do not count toward it. Last evaluated 2026-02-03.

Conditions:
Cardiovascular phenotype. Identifiers: MedGen CN230736.
Dilated cardiomyopathy 1DD (CMD1DD). Identifiers: Orphanet 154, MedGen C2750995, MONDO:0013168, OMIM 613172.
Cardiomyopathy (CMYO). Also called: Cardiomyopathies. Identifiers: Orphanet 167848, MedGen C0878544, MONDO:0004994, HP:0001638. Inheritance: Various modes of inheritance.

Allele frequency attached by ClinVar (database versions not stated): gnomAD exomes 0.00372 and 0.00171; ExAC 0.00721; gnomAD 0.01672 and 0.01800; TOPMed 0.01867; 1000 Genomes Project 0.01997; 1000 Genomes Project 30x 0.02077.
gnomAD v4.1: 5,061 of 1,550,238 alleles (0.33%); highest among the groups gnomAD compares: African/African-American, 6.1%; 158 homozygotes.

Submissions (14):

Labcorp Genetics (formerly Invitae), Labcorp
Classification: Benign for Dilated cardiomyopathy 1DD. Last evaluated: 2026-02-03. Review status: criteria provided, single submitter. Criteria: Invitae Variant Classification Sherloc (09022015). Collection method: clinical testing. Allele origin: germline.

Molecular Diagnostic Laboratory for Inherited Cardiovascular Disease, Montreal Heart Institute
Classification: Benign. Last evaluated: 2025-04-09. Review status: criteria provided, single submitter. Criteria: ACMG Guidelines, 2015. Collection method: clinical testing. Allele origin: germline. Affected: no.

ARUP Laboratories, Molecular Genetics and Genomics, ARUP Laboratories
Classification: Benign for Dilated cardiomyopathy 1DD. Last evaluated: 2023-11-22. Review status: criteria provided, single submitter. Criteria: ARUP Molecular Germline Variant Investigation Process 2024. Collection method: clinical testing. Allele origin: germline.

Women's Health and Genetics/Laboratory Corporation of America, LabCorp
Classification: Benign. Last evaluated: 2019-10-28. Review status: criteria provided, single submitter. Criteria: LabCorp Variant Classification Summary - May 2015. Collection method: clinical testing. Allele origin: germline.

Illumina Laboratory Services, Illumina
Classification: Likely benign for Dilated cardiomyopathy 1DD. Last evaluated: 2018-01-13. Review status: criteria provided, single submitter. Criteria: ICSL Variant Classification Criteria 13 December 2019. Collection method: clinical testing. Allele origin: germline.
Comment: This variant was observed in the ICSL laboratory as part of a predisposition screen in an ostensibly healthy population. It had not been previously curated by ICSL or reported in the Human Gene Mutation Database (HGMD: prior to June 1st, 2018), and was therefore a candidate for classification through an automated scoring system. Utilizing variant allele frequency, disease prevalence and penetrance estimates, and inheritance mode, an automated score was calculated to assess if this variant is too frequent to cause the disease. Based on the score and internal cut-off values, a variant classified as likely benign is not then subjected to further curation. The score for this variant resulted in a classification of likely benign for this disease.

CHEO Genetics Diagnostic Laboratory, Children's Hospital of Eastern Ontario
Classification: Benign for Cardiomyopathy. Last evaluated: 2016-10-11. Review status: criteria provided, single submitter. Criteria: ACMG Guidelines, 2015. Collection method: clinical testing. Allele origin: germline. Study: Canadian Open Genetics Repository.

Mayo Clinic Laboratories, Mayo Clinic
Classification: Benign. Last evaluated: 2016-08-30. Review status: criteria provided, single submitter. Criteria: ACMG Guidelines, 2015. Collection method: clinical testing. Allele origin: germline. Observed: 21 variant alleles.

Ambry Genetics
Classification: Benign for Cardiovascular phenotype. Last evaluated: 2015-06-25. Review status: criteria provided, single submitter. Criteria: Ambry Variant Classification Scheme 2023. Collection method: clinical testing. Allele origin: germline.

GeneDx
Classification: Benign. Last evaluated: 2014-04-29. Review status: criteria provided, single submitter. Criteria: GeneDx Variant Classification (06012015). Collection method: clinical testing. Allele origin: germline. Affected: yes.
Comment: This variant is considered likely benign or benign based on one or more of the following criteria: it is a conservative change, it occurs at a poorly conserved position in the protein, it is predicted to be benign by multiple in silico algorithms, and/or has population frequency not consistent with disease.

Laboratory for Molecular Medicine, Mass General Brigham Personalized Medicine
Classification: Benign. Last evaluated: 2012-12-06. Review status: criteria provided, single submitter. Criteria: LMM Criteria. Collection method: clinical testing. Allele origin: germline. Observed: 28 variant alleles.

Breakthrough Genomics
Classification: Likely benign. Review status: criteria provided, single submitter. Criteria: ACMG Guidelines, 2015. Collection method: not provided. Allele origin: germline. Inheritance: Autosomal dominant inheritance. Affected: yes.

Clinical Genetics DNA and cytogenetics Diagnostics Lab, Erasmus MC, Erasmus Medical Center
Classification: Benign. Review status: no assertion criteria provided. Collection method: clinical testing. Allele origin: germline. Affected: yes. Study: VKGL Data-share Consensus. Not counted in ClinVar's aggregate classification.

Clinical Genetics, Academic Medical Center
Classification: Benign. Review status: no assertion criteria provided. Collection method: clinical testing. Allele origin: germline. Affected: yes. Study: VKGL Data-share Consensus. Not counted in ClinVar's aggregate classification.

Joint Genome Diagnostic Labs from Nijmegen and Maastricht, Radboudumc and MUMC+
Classification: Benign. Review status: no assertion criteria provided. Collection method: clinical testing. Allele origin: germline. Affected: yes. Study: VKGL Data-share Consensus. Not counted in ClinVar's aggregate classification.

NM_001134363.3(RBM20):c.1914G>A (p.Pro638=)

Gene: RBM20 (RNA binding motif protein 20; plus strand). Cytogenetic location: 10q25.2.
Variant type: single nucleotide variant.
Coding change: c.1914G>A on transcript NM_001134363.3 (MANE Select); coding-DNA position 1914, G replaced by A.
Protein change: p.Pro638=; no amino-acid change (proline 638 retained).
Molecular consequence: synonymous variant.
Genome position (GRCh38, 1-based): chr10:110,812,311, G>A. VCF-style: chr10-110812311-G-A. GRCh37 (hg19) VCF-style: chr10-112572069-G-A.
Other names: p.P638P:CCG>CCA; p.Pro638=.
Identifiers: ClinVar variation 43981 (VCV000043981.40), dbSNP rs74339620, ClinGen allele CA133289.
Genomic context (GRCh38, chr10:110,812,311, plus strand): 5'-AAATCCTGCTCCTTGGCTCCCTCACAGATATGGCCCAGAAAGGCCGCGGTCTCGTAGTCC[G>A]GTGAGCCGGTCACTCTCCCCGAGGTCCCACACTCCCAGCTTCACCTCCTGCAGCTCTTCC-3'
Protein context (NP_001127835.2, residues 628-648): YGPERPRSRS[Pro638=]VSRSLSPRSH